The following is an entry in ClinVar:

ClinVar aggregate classification (germline): Conflicting classifications of pathogenicity. Review status: criteria provided, conflicting classifications (1 of 4 stars). 4 submissions from 4 submitters: Uncertain significance (2); Likely benign (2). Last evaluated 2025-11-10.

Conditions:
Familial thoracic aortic aneurysm and aortic dissection (TAAD). Also called: Thoracic aortic aneurysms and dissections. Identifiers: Orphanet 91387, MedGen C4707243, MONDO:0019625.
Ehlers-Danlos syndrome, type 4 (EDSVASC). Also called: Ehlers-Danlos syndrome vascular type; Ehlers Danlos syndrome, ecchymotic type; Ehlers Danlos syndrome, arterial type; Ehlers Danlos syndrome, Sack-Barabas type; Ehlers-Danlos Syndrome Type IV. Identifiers: Orphanet 286, MedGen C0268338, MONDO:0017314, OMIM 130050.

Allele frequency attached by ClinVar (database versions not stated): gnomAD exomes 0.00001 and 0.00002; ExAC 0.00002; ESP Exome Variant Server 0.00008; TOPMed 0.00009; gnomAD 0.00010 and 0.00011.
gnomAD v4.1: 30 of 1,613,994 alleles (0.0019%); highest among the groups gnomAD compares: African/African-American, 0.035%; no homozygotes.

Submissions (4):

Labcorp Genetics (formerly Invitae), Labcorp
Classification: Uncertain significance for Ehlers-Danlos syndrome, type 4. Last evaluated: 2025-11-10. Review status: criteria provided, single submitter. Criteria: Invitae Variant Classification Sherloc (09022015). Collection method: clinical testing. Allele origin: germline.
Comment: This sequence change falls in intron 19 of the COL3A1 gene. It does not directly change the encoded amino acid sequence of the COL3A1 protein. It affects a nucleotide within the consensus splice site. This variant is present in population databases (rs373343032, gnomAD 0.04%). This variant has not been reported in the literature in individuals affected with COL3A1-related conditions. ClinVar contains an entry for this variant (Variation ID: 646624). Variants that disrupt the consensus splice site are a relatively common cause of aberrant splicing (PMID: 17576681, 9536098). Algorithms developed to predict the effect of sequence changes on RNA splicing suggest that this variant may disrupt the consensus splice site. In summary, the available evidence is currently insufficient to determine the role of this variant in disease. Therefore, it has been classified as a Variant of Uncertain Significance.

Dasa
Classification: Uncertain significance. Last evaluated: 2025-08-06. Review status: criteria provided, single submitter. Criteria: DASA Assertion Criteria. Collection method: clinical testing. Allele origin: germline.
Comment: NM_000090.4(COL3A1):c.1347+6T>C is a splice-region variant. This variant is rare in population databases. Computational prediction algorithms are consistent with a deleterious effect. The currently available literature and clinical evidence are not sufficient to establish a definitive association between this variant and the reported condition. Therefore, this variant is classified as a variant of uncertain significance.

All of Us Research Program, National Institutes of Health
Classification: Likely benign for Ehlers-Danlos syndrome, type 4. Last evaluated: 2024-01-11. Review status: criteria provided, single submitter. Criteria: ACMG Guidelines, 2015. Collection method: clinical testing. Allele origin: germline. Inheritance: Autosomal dominant inheritance. Observed: 10 variant alleles, 10 heterozygotes.
Comment: This study involves interpretation of variants in research participants for the purpose of population health screening. Participant phenotype was not available at the time of variant classification. Additional details can be found in publication PMID: 35346344, PMCID: PMC8962531

Color Diagnostics, LLC DBA Color Health
Classification: Likely benign for Familial thoracic aortic aneurysm and aortic dissection. Last evaluated: 2018-11-16. Review status: criteria provided, single submitter. Criteria: ACMG Guidelines, 2015. Collection method: clinical testing. Allele origin: germline.

Literature cited by the submitters: PubMed 17576681 (cited by Labcorp Genetics (formerly Invitae), Labcorp); PubMed 9536098 (cited by Labcorp Genetics (formerly Invitae), Labcorp).

NM_000090.4(COL3A1):c.1347+6T>C

Gene: COL3A1 (collagen type III alpha 1 chain; plus strand). Cytogenetic location: 2q32.2.
Variant type: single nucleotide variant.
Coding change: c.1347+6T>C on transcript NM_000090.4 (MANE Select); 6 bases into the intron after coding-DNA position 1347, T replaced by C.
Molecular consequence: intron variant.
Genome position (GRCh38, 1-based): chr2:188,994,600, T>C. VCF-style: chr2-188994600-T-C. GRCh37 (hg19) VCF-style: chr2-189859326-T-C.
Identifiers: ClinVar variation 646624 (VCV000646624.14), dbSNP rs373343032, ClinGen allele CA074195.